The following is an entry in ClinVar:

ClinVar aggregate classification (germline): Pathogenic (1 of 4 stars; one submission).

Conditions:
46 XY differences of sex development. Also called: 46, XY disorder of sex development (DSD); 46,XY disorder of sex development. Identifiers: Orphanet 98085, MedGen C2751824, MONDO:0020040.
Oligosynaptic infertility (SPGF1). Also called: SPERMATOGENIC FAILURE 1; OLIGOCHIASMATIC INFERTILITY. Identifiers: MedGen C0403810, MONDO:0009776, OMIM 258150.

Submission:

Labcorp Genetics (formerly Invitae), Labcorp
Classification: Pathogenic for 46 XY differences of sex development; Oligosynaptic infertility. Last evaluated: 2022-01-18. Review status: criteria provided, single submitter. Criteria: Invitae Variant Classification Sherloc (09022015). Collection method: clinical testing. Allele origin: germline.
Comment: For these reasons, this variant has been classified as Pathogenic. This variant disrupts a region of the NR5A1 protein in which other variant(s) (p.Tyr409*) have been determined to be pathogenic (Invitae). This suggests that this is a clinically significant region of the protein, and that variants that disrupt it are likely to be disease-causing. Variants that disrupt the consensus splice site are a relatively common cause of aberrant splicing (PMID: 17576681, 9536098). Algorithms developed to predict the effect of sequence changes on RNA splicing suggest that this variant may disrupt the consensus splice site. This variant has not been reported in the literature in individuals affected with NR5A1-related conditions. This variant is not present in population databases (gnomAD no frequency). This variant results in the deletion of part of exon 6 (c.1065_1138+158del) of the NR5A1 gene. While this variant is not anticipated to result in nonsense mediated decay, it likely alters RNA splicing and results in a disrupted protein product.

Literature cited by the submitters: PubMed 17576681; PubMed 9536098.

NM_004959.5(NR5A1):c.1065_1138+158del

Gene: NR5A1 (nuclear receptor subfamily 5 group A member 1; minus strand). Cytogenetic location: 9q33.3.
Variant type: Deletion.
Coding change: c.1065_1138+158del on transcript NM_004959.5 (MANE Select); coding-DNA position 1065 through 158 bases into the intron after coding-DNA position 1138, 232 bases deleted.
Molecular consequence: splice donor variant.
Genome position (GRCh38, 1-based): chr9:124,490,923-124,491,154, 232 bases deleted. GRCh37 (hg19): chr9:127,253,205-127,253,436.
Identifiers: ClinVar variation 2087543 (VCV002087543.4), dbSNP rs2538673493, ClinGen allele CA2580079527.